The following is an entry in ClinVar:

ClinVar aggregate classification (germline): Pathogenic (1 of 4 stars; one submission).

Conditions:
Ehlers-Danlos syndrome, kyphoscoliotic type 1 (EDSKSCL1). Also called: PLOD1-Related Kyphoscoliotic Ehlers-Danlos Syndrome; EHLERS-DANLOS SYNDROME, TYPE VIA; EHLERS-DANLOS SYNDROME, OCULAR-SCOLIOTIC TYPE; Ehlers-Danlos syndrome, hydroxylysine-deficient. Identifiers: Orphanet 1900, MedGen C0268342, MONDO:0016002, OMIM 225400. Disease mechanism: loss of function.

Allele frequency attached by ClinVar (database versions not stated): gnomAD exomes below 0.00001.
gnomAD v4.1: 2 of 1,613,344 alleles (0.00012%); highest among the groups gnomAD compares: Non-Finnish European, 0.00017%; no homozygotes.

Submission:

Labcorp Genetics (formerly Invitae), Labcorp
Classification: Pathogenic for Ehlers-Danlos syndrome, kyphoscoliotic type 1. Last evaluated: 2022-11-15. Review status: criteria provided, single submitter. Criteria: Invitae Variant Classification Sherloc (09022015). Collection method: clinical testing. Allele origin: germline.
Comment: For these reasons, this variant has been classified as Pathogenic. ClinVar contains an entry for this variant (Variation ID: 648887). This variant has not been reported in the literature in individuals affected with PLOD1-related conditions. This variant is not present in population databases (gnomAD no frequency). This sequence change creates a premature translational stop signal (p.Gln339*) in the PLOD1 gene. It is expected to result in an absent or disrupted protein product. Loss-of-function variants in PLOD1 are known to be pathogenic (PMID: 10874315, 21699693).

Literature cited by the submitters: PubMed 10874315; PubMed 21699693.

NM_000302.4(PLOD1):c.1015C>T (p.Gln339Ter)

Gene: PLOD1 (procollagen-lysine,2-oxoglutarate 5-dioxygenase 1; plus strand). Cytogenetic location: 1p36.22.
Variant type: single nucleotide variant.
Coding change: c.1015C>T on transcript NM_000302.4 (MANE Select); coding-DNA position 1015, C replaced by T.
Protein change: p.Gln339Ter; replaces glutamine 339 with a stop codon.
Molecular consequence: nonsense.
Genome position (GRCh38, 1-based): chr1:11,960,685, C>T. VCF-style: chr1-11960685-C-T. GRCh37 (hg19) VCF-style: chr1-12020742-C-T.
Other names: c.1156C>T, p.Gln386Ter (NM_001316320.2); short protein forms Q386*, Q339*.
Identifiers: ClinVar variation 648887 (VCV000648887.9), dbSNP rs1569713366, ClinGen allele CA338436841.